The following is an entry in ClinVar:

ClinVar aggregate classification (germline): Uncertain significance (1 of 4 stars; one submission).

Allele frequency attached by ClinVar (database versions not stated): gnomAD exomes 0.00001.
gnomAD v4.1: 8 of 1,612,956 alleles (0.0005%); highest among the groups gnomAD compares: Non-Finnish European, 0.00068%; no homozygotes.

Submission:

GeneDx
Classification: Uncertain significance. Last evaluated: 2022-10-14. Review status: criteria provided, single submitter. Criteria: GeneDx Variant Classification Process June 2021. Collection method: clinical testing. Allele origin: germline. Affected: yes.
Comment: Not observed at significant frequency in large population cohorts (gnomAD); In silico analysis supports that this missense variant has a deleterious effect on protein structure/function; Has not been previously published as pathogenic or benign to our knowledge; This variant is associated with the following publications: (PMID: 24598713)

NM_014845.6(FIG4):c.743T>C (p.Leu248Ser)

Gene: FIG4 (FIG4 phosphoinositide 5-phosphatase; plus strand). Cytogenetic location: 6q21.
Variant type: single nucleotide variant.
Coding change: c.743T>C on transcript NM_014845.6 (MANE Select); coding-DNA position 743, T replaced by C.
Protein change: p.Leu248Ser; replaces leucine 248 with serine.
Molecular consequence: missense variant.
Genome position (GRCh38, 1-based): chr6:109,738,421, T>C. VCF-style: chr6-109738421-T-C. GRCh37 (hg19) VCF-style: chr6-110059624-T-C.
Other names: short protein forms L248S.
Identifiers: ClinVar variation 2499377 (VCV002499377.1), dbSNP rs2486126806, ClinGen allele CA365220704.